The following is an entry in ClinVar:

NM_002907.4(RECQL):c.548A>C (p.Glu183Ala)

Gene: RECQL (RecQ like helicase; minus strand). Cytogenetic location: 12p12.1.
Variant type: single nucleotide variant.
Coding change: c.548A>C on transcript NM_002907.4 (MANE Select); coding-DNA position 548, A replaced by C.
Protein change: p.Glu183Ala; replaces glutamic acid 183 with alanine.
Molecular consequence: missense variant.
Genome position (GRCh38, 1-based): chr12:21,483,528, T>G on the plus strand (A>C on the coding strand, the complement: RECQL is on the minus strand). VCF-style: chr12-21483528-T-G. GRCh37 (hg19) VCF-style: chr12-21636462-T-G.
Other names: c.548A>C, p.Glu183Ala (NM_032941.3); short protein forms E183A.
Identifiers: ClinVar variation 1305958 (VCV001305958.6), dbSNP rs2137374659, ClinGen allele CA384127713.

ClinVar aggregate classification (germline): Uncertain significance. Review status: criteria provided, multiple submitters, no conflicts (2 of 4 stars). 3 submissions from 3 submitters: Uncertain significance (3). Last evaluated 2025-04-06.

Conditions:
RECON progeroid syndrome (RECON). Identifiers: MedGen C5830504, MONDO:0957266, OMIM 620370.

gnomAD v4.1: 14 of 1,580,704 alleles (0.00089%); highest among the groups gnomAD compares: Non-Finnish European, 0.0012%; no homozygotes.

Submissions (3):

Ambry Genetics
Classification: Uncertain significance. Last evaluated: 2025-04-06. Review status: criteria provided, single submitter. Criteria: Ambry Variant Classification Scheme 2023. Collection method: clinical testing. Allele origin: germline.
Comment: The p.E183A variant (also known as c.548A>C), located in coding exon 5 of the RECQL gene, results from an A to C substitution at nucleotide position 548. The glutamic acid at codon 183 is replaced by alanine, an amino acid with dissimilar properties. This amino acid position is conserved. In addition, this alteration is predicted to be tolerated by in silico analysis. Since supporting evidence is limited at this time, the clinical significance of this alteration remains unclear.

Fulgent Genetics
Classification: Uncertain significance for RECON progeroid syndrome. Last evaluated: 2024-04-12. Review status: criteria provided, single submitter. Criteria: ACMG Guidelines, 2015. Collection method: clinical testing. Allele origin: germline.

GeneDx
Classification: Uncertain significance. Last evaluated: 2019-05-14. Review status: criteria provided, single submitter. Criteria: GeneDx Variant Classification Process June 2021. Collection method: clinical testing. Allele origin: germline. Affected: yes.
Comment: Not observed in large population cohorts (Lek et al., 2016); In silico analysis, which includes protein predictors and evolutionary conservation, supports that this variant does not alter protein structure/function; Has not been previously published as pathogenic or benign to our knowledge